The following is an entry in ClinVar:

NM_001145026.2(PTPRQ):c.3664A>G (p.Arg1222Gly)

Gene: PTPRQ (protein tyrosine phosphatase receptor type Q; plus strand). Cytogenetic location: 12q21.31.
Variant type: single nucleotide variant.
Coding change: c.3664A>G on transcript NM_001145026.2 (MANE Select); coding-DNA position 3664, A replaced by G.
Protein change: p.Arg1222Gly; replaces arginine 1222 with glycine.
Molecular consequence: missense variant.
Genome position (GRCh38, 1-based): chr12:80,542,307, A>G. VCF-style: chr12-80542307-A-G. GRCh37 (hg19) VCF-style: chr12-80936086-A-G.
Other names: short protein forms R1222G.
Identifiers: ClinVar variation 4984934 (VCV004984934.1).
Genomic context (GRCh38, chr12:80,542,307, plus strand): 5'-AATTACATAATATTGGAAGAGCTTTCACCATTTACATTATATAGCTTTTTTGCTGCCGCA[A>G]GAACTAGAAAAGGACTTGGTCCTTCCAGTATTCTTTTCTTTTACACAGATGAGTCAGGTA-3'
Protein context (NP_001138498.1, residues 1212-1232): FTLYSFFAAA[Arg1222Gly]TRKGLGPSSI

ClinVar aggregate classification (germline): Uncertain significance (1 of 4 stars; one submission).

Conditions:
PTPRQ-related disorder. Also called: PTPRQ-related condition.

gnomAD v4.1: 8 of 1,549,490 alleles (0.00052%); highest among the groups gnomAD compares: Admixed American, 0.016%; no homozygotes.

Submission:

PreventionGenetics, part of Exact Sciences
Classification: Uncertain significance for PTPRQ-related condition. Last evaluated: 2025-08-19. Review status: criteria provided, single submitter. Criteria: ACMG Guidelines, 2015. Collection method: clinical testing. Allele origin: germline.
Comment: The PTPRQ c.3664A>G variant is predicted to result in the amino acid substitution p.Arg1222Gly. To our knowledge, this variant has not been reported in the literature. This variant is reported in 0.041% of alleles in individuals of Latino descent in gnomAD. At this time, the clinical significance of this variant is uncertain due to the absence of conclusive functional and genetic evidence.